The following is an entry in ClinVar:

ClinVar aggregate classification (germline): Pathogenic/Likely pathogenic. Review status: criteria provided, multiple submitters, no conflicts (2 of 4 stars). 7 submissions from 7 submitters: Pathogenic (4); Likely pathogenic (3). Last evaluated 2026-01-21.

Conditions:
Alport syndrome. Also called: Hemorrhagic familial nephritis; Hemorrhagic hereditary nephritis; Congenital hereditary hematuria. Identifiers: Orphanet 63, MedGen C1567741, MONDO:0018965.
Autosomal recessive Alport syndrome (ATS2). Also called: COL4A4 Alport Syndrome and Thin Basement Membrane Nephropathy; ALPORT SYNDROME 2, AUTOSOMAL RECESSIVE; Alport syndrome type 2; COL4A3-Related Nephropathy. Identifiers: Orphanet 63, Orphanet 88919, MedGen C4746745, MONDO:0008762, OMIM 203780.
Benign familial hematuria. Also called: thin basement membrane disease. Identifiers: MedGen C0241908, MONDO:0957317.
Hematuria. Identifiers: MedGen C0018965, HP:0000790.

Submissions (7):

Natera, Inc.
Classification: Likely pathogenic for Alport syndrome. Last evaluated: 2026-01-21. Review status: criteria provided, single submitter. Criteria: Natera Variant Classification Schema (03/2026). Collection method: clinical testing. Allele origin: germline.
Comment: The c.4717delG variant in COL4A4 is a frameshift variant predicted to shift the reading frame beginning at codon 1573 and leads to a stop codon 30 codons downstream. This variant is expected to result in nonsense mediated decay, truncation, or a dysfunctional protein product. This variant is rare in the general population with a frequency below the threshold expected for the associated phenotype(s). This variant has been observed in one or more individuals affected with the associated recessive disease, as either homozygous or compound heterozygous with a second variant (PMID: 37464296). Given the available evidence, this variant is classified as Likely Pathogenic.

Genetics laboratory, Institute of Kidney Diseases & Research Centre Dr. H.L. Trivedi Institute Of Transplantation Sciences
Classification: Pathogenic for Autosomal recessive Alport syndrome. Last evaluated: 2026-01-01. Review status: criteria provided, single submitter. Criteria: ACMG Guidelines, 2015. Collection method: clinical testing. Allele origin: germline. Inheritance: Autosomal dominant inheritance. Affected: yes. Observed: 1 variant allele, 1 heterozygote.
Comment: The COL4A4:c.4717delG (p.Ala1573Profs*30) variant is classified as Pathogenic according to American College of Medical Genetics and Genomics 2015 guidelines. This frameshift variant introduces a premature stop codon, leading to a truncated protein or nonsense-mediated decay, a known loss-of-function mechanism in Alport syndrome.

Labcorp Genetics (formerly Invitae), Labcorp
Classification: Pathogenic. Last evaluated: 2025-12-19. Review status: criteria provided, single submitter. Criteria: Invitae Variant Classification Sherloc (09022015). Collection method: clinical testing. Allele origin: germline.
Comment: This sequence change creates a premature translational stop signal (p.Ala1573Profs*30) in the COL4A4 gene. While this is not anticipated to result in nonsense mediated decay, it is expected to disrupt the last 118 amino acid(s) of the COL4A4 protein. This variant is not present in population databases (gnomAD no frequency). This variant has not been reported in the literature in individuals affected with COL4A4-related conditions. ClinVar contains an entry for this variant (Variation ID: 1068082). This variant disrupts a region of the COL4A4 protein in which other variant(s) (p.Arg1682Gln) have been determined to be pathogenic (PMID: 17216251, 21897443, 26809805, 27859054). This suggests that this is a clinically significant region of the protein, and that variants that disrupt it are likely to be disease-causing. For these reasons, this variant has been classified as Pathogenic.

Genetics Laboratory, Great Ormond Street Hospital NHS Foundation Trust, North Thames Genomic Laboratory Hub
Classification: Pathogenic for Haematuria. Last evaluated: 2025-12-18. Review status: criteria provided, single submitter. Criteria: ACGS Best Practice Guidelines for Variant Classification in Rare Disease 2024 v1.2. Collection method: clinical testing. Allele origin: germline. Affected: yes.
Comment: PM2_moderate, PVS1_very-strong, PM3_moderate, PP4_supporting

Victorian Clinical Genetics Services, Murdoch Childrens Research Institute
Classification: Pathogenic for Alport syndrome. Last evaluated: 2025-06-20. Review status: criteria provided, single submitter. Criteria: ACMG Guidelines, 2015. Collection method: clinical testing. Allele origin: germline. Affected: yes.
Comment: This variant is classified as Pathogenic. Evidence in support of pathogenic classification: Variant is predicted to result in a truncated protein (premature termination codon is NOT located at least 54 nucleotides upstream of the final exon-exon junction) with less than 1/3 of the protein sequence affected; Variant is present in gnomAD <0.001 for a dominant condition (v4: 1 heterozygote(s), 0 homozygote(s)); This variant has limited previous evidence of pathogenicity in unrelated individuals. This variant has been classified as likely pathogenic by two clinical laboratories in ClinVar; Other variants resulting in a truncated protein comparable to the one identified in this case have very strong previous evidence for pathogenicity (ClinVar). Additional information: This variant is heterozygous; This gene is associated with both recessive and dominant disease. Alport syndrome typically has biallelic inheritance, although rare cases of monoallelic inheritance have been reported (PMID: 28704582). Thin basement membrane nephropathy (TBMN) and focal segmental glomerulosclerosis (FSGS) are associated with autosomal dominant inheritance (OMIM, PMIDs: 16467446, 17942953); No published segregation evidence has been identified for this variant; No published functional evidence has been identified for this variant; Variant results in the loss of part of the annotated C4 domain (DECIPHER); Loss of function is a known mechanism of disease for this gene and is associated with Alport syndrome. Dominant negative is a suspected mechanism of disease for this gene as it is a structural protein (PMIDs: 12028435, 24046192); Inheritance information for this variant is not currently available in this individual.

New York Genome Center
Classification: Likely pathogenic for Autosomal recessive Alport syndrome. Last evaluated: 2024-04-12. Review status: criteria provided, single submitter. Criteria: NYGC Assertion Criteria 2020. Collection method: clinical testing. Allele origin: inherited. Observed: 1 variant allele, 1 heterozygote.
Comment: The c.4717del variant in COL4A4 has previously been reported in homozygous states in individuals with COL4A4-related Alport syndrome spectrum [PMID:37464296] and it has been deposited in ClinVar [ClinVar ID:1068082] as Pathogenic/Likely Pathogenic. The c.4717del variant is observed in 4 alleles with 0 homozygote in population databases (GnomAD v.4.0.0, TOPmed Freeze 10, All of Us), suggesting it is not a common benign variant in the populations represented in those databases. The c.4717del variant in COL4A4 is located in exon 47 of this 48-exon gene and predicted to escape nonsense mediated decay and result in loss of 118 amino acids (p.(Ala1573ProfsTer30)). Multiple loss-of-function variants that are downstream to the c.4717del variant have been reported in the literature [PMID:35369551, 9792860, 36685964,30745910] in individuals with COL4A4-related Alport syndrome spectrum. Based on available evidence this inherited heterozygous c.4717del p.(Ala1573ProfsTer30) variant identified in COL4A4 is classified as Likely Pathogenic.

Fulgent Genetics
Classification: Likely pathogenic for Hematuria, benign familial, 1; Autosomal recessive Alport syndrome. Last evaluated: 2022-03-17. Review status: criteria provided, single submitter. Criteria: ACMG Guidelines, 2015. Collection method: clinical testing. Allele origin: unknown.

Literature cited by the submitters: PubMed 37464296 (cited by Natera, Inc. and New York Genome Center); PubMed 17216251 (cited by Labcorp Genetics (formerly Invitae), Labcorp); PubMed 21897443 (cited by Labcorp Genetics (formerly Invitae), Labcorp); PubMed 26809805 (cited by Labcorp Genetics (formerly Invitae), Labcorp); PubMed 27859054 (cited by Labcorp Genetics (formerly Invitae), Labcorp); PubMed 24046192 (cited by Victorian Clinical Genetics Services, Murdoch Childrens Research Institute); PubMed 16467446 (cited by Victorian Clinical Genetics Services, Murdoch Childrens Research Institute); PubMed 12028435 (cited by Victorian Clinical Genetics Services, Murdoch Childrens Research Institute); PubMed 28704582 (cited by Victorian Clinical Genetics Services, Murdoch Childrens Research Institute); PubMed 17942953 (cited by Victorian Clinical Genetics Services, Murdoch Childrens Research Institute).

NM_000092.5(COL4A4):c.4717del (p.Ala1573fs)

Gene: COL4A4 (collagen type IV alpha 4 chain; minus strand). Cytogenetic location: 2q36.3.
Variant type: Deletion.
Coding change: c.4717del on transcript NM_000092.5 (MANE Select); coding-DNA position 4717, one base deleted (G; older notation c.4717delG).
Protein change: p.Ala1573fs; shifts the reading frame from alanine 1573.
Molecular consequence: frameshift variant.
Genome position (GRCh38, 1-based): chr2:227,008,110, C deleted on the plus strand (G on the coding strand, the reverse complement: COL4A4 is on the minus strand); the first of 2 consecutive C bases (chr2:227,008,110-227,008,111); deleting either gives the same sequence. VCF-style (leftmost placement, unchanged base first): chr2-227008109-GC-G. GRCh37 (hg19) VCF-style: chr2-227872825-GC-G.
Other names: c.4717delG (NM_000092.4); c.4717del (NM_000092.4); short protein forms A1573fs.
Identifiers: ClinVar variation 1068082 (VCV001068082.16), dbSNP rs2149720724, ClinGen allele CA2499215692.
Genomic context (GRCh38, chr2:227,008,109, plus strand): 5'-CTCCAGGTCTGCGGACATGGGGGGATGGACTGGTCCTGGCTGTGCACCGCCACCGCCTGG[GC>G]CGGGGCCTCGCATACCGCACAGCGGCTGACATAGGGGCGGATCGCCTCTTCAGAGAGTGG-3'